The following is an entry in ClinVar:

NM_001017995.3(SH3PXD2B):c.1542C>T (p.Pro514=)

Gene: SH3PXD2B (SH3 and PX domains 2B; minus strand). Cytogenetic location: 5q35.1.
Variant type: single nucleotide variant.
Coding change: c.1542C>T on transcript NM_001017995.3 (MANE Select); coding-DNA position 1542, C replaced by T.
Protein change: p.Pro514=; no amino-acid change (proline 514 retained).
Molecular consequence: synonymous variant. On other transcripts: intron variant (1).
Genome position (GRCh38, 1-based): chr5:172,339,563, G>A on the plus strand (C>T on the coding strand, the complement: SH3PXD2B is on the minus strand). VCF-style: chr5-172339563-G-A. GRCh37 (hg19) VCF-style: chr5-171766567-G-A.
Other names: c.1188+6573C>T (NM_001308175.2).
Identifiers: ClinVar variation 501916 (VCV000501916.16), dbSNP rs780292269, ClinGen allele CA3561159.
Genomic context (GRCh38, chr5:172,339,563, plus strand): 5'-CCCCTCCGACTTGATGATGGATTCTTTCCGCGGAGGGAGGCTGGGCTTCTCCTCCATGTC[G>A]GGGTCTGAGATCTCCTCGTAGCCTGCTGACGCAGACATGTCTGAAGATGCCTTCCTCAGG-3'
Protein context (NP_001017995.1, residues 504-524): ASAGYEEISD[Pro514=]DMEEKPSLPP

ClinVar aggregate classification (germline): Conflicting classifications of pathogenicity. Review status: criteria provided, conflicting classifications (1 of 4 stars). 3 submissions from 3 submitters: Uncertain significance (1); Likely benign (1). 1 of the submissions does not count toward it. Last evaluated 2025-05-18.

Conditions:
SH3PXD2B-related disorder. Also called: SH3PXD2B-related condition.

Allele frequency attached by ClinVar (database versions not stated): gnomAD 0.00010 and 0.00012; TOPMed 0.00015; gnomAD exomes 0.00021; ExAC 0.00032.
gnomAD v4.1: 306 of 1,614,098 alleles (0.019%); highest among the groups gnomAD compares: Non-Finnish European, 0.023%; no homozygotes.

Submissions (3):

Labcorp Genetics (formerly Invitae), Labcorp
Classification: Likely benign. Last evaluated: 2025-05-18. Review status: criteria provided, single submitter. Criteria: Invitae Variant Classification Sherloc (09022015). Collection method: clinical testing. Allele origin: germline.

Eurofins Ntd Llc (ga)
Classification: Uncertain significance. Last evaluated: 2017-05-17. Review status: criteria provided, single submitter. Criteria: EGL Classification Definitions 2015. Collection method: clinical testing. Allele origin: germline. Observed: 1 variant allele, 1 heterozygote.

PreventionGenetics, part of Exact Sciences
Classification: Likely benign for SH3PXD2B-related condition. Last evaluated: 2024-03-31. Review status: no assertion criteria provided. Collection method: clinical testing. Allele origin: germline. Not counted in ClinVar's aggregate classification.
Comment: This variant is classified as likely benign based on ACMG/AMP sequence variant interpretation guidelines (Richards et al. 2015 PMID: 25741868, with internal and published modifications).